The following is an entry in ClinVar:

NM_015450.3(POT1):c.3G>T (p.Met1Ile)

Gene: POT1 (protection of telomeres 1; minus strand). Cytogenetic location: 7q31.33.
Variant type: single nucleotide variant.
Coding change: c.3G>T on transcript NM_015450.3 (MANE Select); coding-DNA position 3, G replaced by T.
Protein change: p.Met1Ile; changes the start codon (methionine 1).
Molecular consequence: missense variant, initiator codon variant. On other transcripts: 5 prime UTR variant (1), non-coding transcript variant (3).
Genome position (GRCh38, 1-based): chr7:124,897,171, C>A on the plus strand (G>T on the coding strand, the complement: POT1 is on the minus strand). VCF-style: chr7-124897171-C-A. GRCh37 (hg19) VCF-style: chr7-124537225-C-A.
Other names: c.-260G>T (NM_001042594.2); short protein forms M1I.
Identifiers: ClinVar variation 3711625 (VCV003711625.2).

ClinVar aggregate classification (germline): Uncertain significance (1 of 4 stars; one submission).

Conditions:
Tumor predisposition syndrome 3 (TPDS3). Also called: Glioma susceptibility 9; LONG TELOMERE SYNDROME, POT1-RELATED; POT1 Tumor Predisposition; Melanoma, cutaneous malignant, susceptibility to, 10. Identifiers: Orphanet 618, MedGen C4014476, MONDO:0014368, OMIM 615848.

Submission:

Labcorp Genetics (formerly Invitae), Labcorp
Classification: Uncertain significance for Tumor predisposition syndrome 3. Last evaluated: 2024-09-12. Review status: criteria provided, single submitter. Criteria: Invitae Variant Classification Sherloc (09022015). Collection method: clinical testing. Allele origin: germline.
Comment: This sequence change affects the initiator methionine of the POT1 mRNA. The next in-frame methionine is located at codon 132. This variant is not present in population databases (gnomAD no frequency). This variant has not been reported in the literature in individuals affected with POT1-related conditions. In summary, the available evidence is currently insufficient to determine the role of this variant in disease. Therefore, it has been classified as a Variant of Uncertain Significance.